The following is an entry in ClinVar:

ClinVar aggregate classification (germline): Uncertain significance (1 of 4 stars; one submission).

Allele frequency attached by ClinVar (database versions not stated): gnomAD 0.00001; TOPMed 0.00001.
gnomAD v4.1: 28 of 1,607,580 alleles (0.0017%); highest among the groups gnomAD compares: Non-Finnish European, 0.0019%; no homozygotes.

Submission:

Ambry Genetics
Classification: Uncertain significance. Last evaluated: 2023-10-10. Review status: criteria provided, single submitter. Criteria: Ambry Variant Classification Scheme 2023. Collection method: clinical testing. Allele origin: germline.
Comment: The p.L2542V variant (also known as c.7624C>G), located in coding exon 29 of the POLQ gene, results from a C to G substitution at nucleotide position 7624. The leucine at codon 2542 is replaced by valine, an amino acid with highly similar properties. This amino acid position is conserved. In addition, this alteration is predicted to be deleterious by in silico analysis. Since supporting evidence is limited at this time, the clinical significance of this alteration remains unclear.

NM_199420.4(POLQ):c.7624C>G (p.Leu2542Val)

Gene: POLQ (DNA polymerase theta; minus strand). Cytogenetic location: 3q13.33.
Variant type: single nucleotide variant.
Coding change: c.7624C>G on transcript NM_199420.4 (MANE Select); coding-DNA position 7624, C replaced by G.
Protein change: p.Leu2542Val; replaces leucine 2542 with valine.
Molecular consequence: missense variant.
Genome position (GRCh38, 1-based): chr3:121,432,953, G>C on the plus strand (C>G on the coding strand, the complement: POLQ is on the minus strand). VCF-style: chr3-121432953-G-C. GRCh37 (hg19) VCF-style: chr3-121151800-G-C.
Other names: short protein forms L2542V.
Identifiers: ClinVar variation 1759857 (VCV001759857.2), dbSNP rs1442530873, ClinGen allele CA354093641.